The following is an entry in ClinVar:

NM_014363.6(SACS):c.5419G>A (p.Glu1807Lys)

Gene: SACS (sacsin molecular chaperone; minus strand). Cytogenetic location: 13q12.12.
Variant type: single nucleotide variant.
Coding change: c.5419G>A on transcript NM_014363.6 (MANE Select); coding-DNA position 5419, G replaced by A.
Protein change: p.Glu1807Lys; replaces glutamic acid 1807 with lysine.
Molecular consequence: missense variant.
Genome position (GRCh38, 1-based): chr13:23,338,457, C>T on the plus strand (G>A on the coding strand, the complement: SACS is on the minus strand). VCF-style: chr13-23338457-C-T. GRCh37 (hg19) VCF-style: chr13-23912596-C-T.
Other names: c.4978G>A, p.Glu1660Lys (NM_001278055.2); short protein forms E1807K, E1660K.
Identifiers: ClinVar variation 448207 (VCV000448207.20), dbSNP rs375805688, ClinGen allele CA6911250.

ClinVar aggregate classification (germline): Conflicting classifications of pathogenicity. Review status: criteria provided, conflicting classifications (1 of 4 stars). 5 submissions from 5 submitters: Uncertain significance (2); Likely benign (2). 1 of the submissions does not count toward it. Last evaluated 2026-01-26.

Conditions:
Spastic paraplegia. Identifiers: MedGen C0037772, HP:0001258.
Charlevoix-Saguenay spastic ataxia (SACS). Also called: SPASTIC ATAXIA 6, AUTOSOMAL RECESSIVE; AUTOSOMAL RECESSIVE SPASTIC ATAXIA OF CHARLEVOIX-SAGUENAY; Spastic ataxia of Charlevoix-Saguenay. Identifiers: Orphanet 98, MedGen C1849140, MONDO:0010041, OMIM 270550.
SACS-related disorder. Also called: SACS-related condition.

Allele frequency attached by ClinVar (database versions not stated): gnomAD exomes 0.00005 and 0.00017; gnomAD 0.00007; TOPMed 0.00011; ExAC 0.00013; 1000 Genomes Project 30x 0.00031; 1000 Genomes Project 0.00040.
gnomAD v4.1: 77 of 1,614,152 alleles (0.0048%); highest among the groups gnomAD compares: East Asian, 0.16%; no homozygotes.

Submissions (5):

Labcorp Genetics (formerly Invitae), Labcorp
Classification: Likely benign for Spastic paraplegia. Last evaluated: 2026-01-26. Review status: criteria provided, single submitter. Criteria: Invitae Variant Classification Sherloc (09022015). Collection method: clinical testing. Allele origin: germline.

Genome-Nilou Lab
Classification: Likely benign for Charlevoix-Saguenay spastic ataxia. Last evaluated: 2021-09-05. Review status: criteria provided, single submitter. Criteria: ACMG Guidelines, 2015. Collection method: clinical testing. Allele origin: germline. Affected: no.

Illumina Laboratory Services, Illumina
Classification: Uncertain significance for Charlevoix-Saguenay spastic ataxia. Last evaluated: 2018-01-13. Review status: criteria provided, single submitter. Criteria: ICSL Variant Classification Criteria 13 December 2019. Collection method: clinical testing. Allele origin: germline.

Athena Diagnostics
Classification: Uncertain significance. Last evaluated: 2017-07-19. Review status: criteria provided, single submitter. Criteria: Athena Diagnostics Criteria. Collection method: clinical testing. Allele origin: germline.

PreventionGenetics, part of Exact Sciences
Classification: Likely benign for SACS-related condition. Last evaluated: 2022-02-02. Review status: no assertion criteria provided. Collection method: clinical testing. Allele origin: germline. Not counted in ClinVar's aggregate classification.
Comment: This variant is classified as likely benign based on ACMG/AMP sequence variant interpretation guidelines (Richards et al. 2015 PMID: 25741868, with internal and published modifications).